The following is an entry in ClinVar:

ClinVar aggregate classification (germline): Conflicting classifications of pathogenicity. Review status: criteria provided, conflicting classifications (1 of 4 stars). 2 submissions from 2 submitters: Uncertain significance (1); Likely benign (1). Last evaluated 2025-04-09.

Conditions:
Dilated cardiomyopathy 1G (CMD1G). Identifiers: Orphanet 154, MedGen C1858763, MONDO:0011400, OMIM 604145.
Autosomal recessive limb-girdle muscular dystrophy type 2J (LGMDR10). Also called: Limb-girdle muscular dystrophy, type 2J; MUSCULAR DYSTROPHY, LIMB-GIRDLE, AUTOSOMAL RECESSIVE 10. Identifiers: Orphanet 140922, MedGen C1837342, MONDO:0012127, OMIM 608807.

Submissions (2):

Molecular Diagnostic Laboratory for Inherited Cardiovascular Disease, Montreal Heart Institute
Classification: Likely benign. Last evaluated: 2025-04-09. Review status: criteria provided, single submitter. Criteria: ACMG Guidelines, 2015. Collection method: clinical testing. Allele origin: germline. Affected: no.
Comment: BP1

Labcorp Genetics (formerly Invitae), Labcorp
Classification: Uncertain significance for Dilated cardiomyopathy 1G; Limb-girdle muscular dystrophy, type 2J. Last evaluated: 2019-08-28. Review status: criteria provided, single submitter. Criteria: Invitae Variant Classification Sherloc (09022015). Collection method: clinical testing. Allele origin: germline.
Comment: This sequence change replaces serine with proline at codon 35368 of the TTN protein (p.Ser35368Pro). There is a moderate physicochemical difference between serine and proline. This variant is not present in population databases (ExAC no frequency). This variant has not been reported in the literature in individuals with TTN-related conditions. This variant is located in the M band of TTN (PMID: 25589632). Variants in this region may be relevant for neuromuscular disorders, but have not been definitively shown to cause cardiomyopathy (PMID: 23975875). Algorithms developed to predict the effect of missense changes on protein structure and function are unavailable for the TTN gene. In summary, the available evidence is currently insufficient to determine the role of this variant in disease. Therefore, it has been classified as a Variant of Uncertain Significance.

Literature cited by the submitters: PubMed 23975875 (cited by Labcorp Genetics (formerly Invitae), Labcorp); PubMed 25589632 (cited by Labcorp Genetics (formerly Invitae), Labcorp).

NM_001267550.2(TTN):c.106102T>C (p.Ser35368Pro)

Genes: TTN (titin; minus strand), TTN-AS1 (TTN antisense RNA 1; plus strand), LOC129935182 (ATAC-STARR-seq lymphoblastoid active region 16807; plus strand). Cytogenetic location: 2q31.2.
Variant type: single nucleotide variant.
Coding change: c.106102T>C on transcript NM_001267550.2 (MANE Select); coding-DNA position 106102, T replaced by C.
Protein change: p.Ser35368Pro; replaces serine 35368 with proline.
Molecular consequence: missense variant.
Genome position (GRCh38, 1-based): chr2:178,530,513, A>G on the plus strand (T>C on the coding strand, the complement: TTN is on the minus strand). VCF-style: chr2-178530513-A-G. GRCh37 (hg19) VCF-style: chr2-179395240-A-G.
Other names: c.101179T>C, p.Ser33727Pro (NM_001256850.1); c.78907T>C, p.Ser26303Pro (NM_003319.4); c.98398T>C, p.Ser32800Pro (NM_133378.4); c.79282T>C, p.Ser26428Pro (NM_133432.3); c.79483T>C, p.Ser26495Pro (NM_133437.4); short protein forms S26495P, S32800P, S35368P, S33727P, S26303P, S26428P.
Identifiers: ClinVar variation 959891 (VCV000959891.2), dbSNP rs1688636055, ClinGen allele CA349407031.